The following is an entry in ClinVar:

ClinVar aggregate classification (germline): Uncertain significance (1 of 4 stars; one submission).

Allele frequency attached by ClinVar (database versions not stated): gnomAD exomes below 0.00001; ExAC 0.00001.
gnomAD v4.1: 1 of 1,614,138 alleles (0.000062%); highest among the groups gnomAD compares: Non-Finnish European, 0.000085%; no homozygotes.

Submission:

Labcorp Genetics (formerly Invitae), Labcorp
Classification: Uncertain significance. Last evaluated: 2022-04-10. Review status: criteria provided, single submitter. Criteria: Invitae Variant Classification Sherloc (09022015). Collection method: clinical testing. Allele origin: germline.
Comment: In summary, the available evidence is currently insufficient to determine the role of this variant in disease. Therefore, it has been classified as a Variant of Uncertain Significance. Algorithms developed to predict the effect of missense changes on protein structure and function output the following: SIFT: "Tolerated"; PolyPhen-2: "Benign"; Align-GVGD: "Class C0". The alanine amino acid residue is found in multiple mammalian species, which suggests that this missense change does not adversely affect protein function. This variant has not been reported in the literature in individuals affected with TNFRSF11A-related conditions. The frequency data for this variant in the population databases is considered unreliable, as metrics indicate poor data quality at this position in the gnomAD database. This sequence change replaces threonine, which is neutral and polar, with alanine, which is neutral and non-polar, at codon 411 of the TNFRSF11A protein (p.Thr411Ala).

NM_003839.4(TNFRSF11A):c.1231A>G (p.Thr411Ala)

Gene: TNFRSF11A (TNF receptor superfamily member 11a; plus strand). Cytogenetic location: 18q21.33.
Variant type: single nucleotide variant.
Coding change: c.1231A>G on transcript NM_003839.4 (MANE Select); coding-DNA position 1231, A replaced by G.
Protein change: p.Thr411Ala; replaces threonine 411 with alanine.
Molecular consequence: missense variant. On other transcripts: intron variant (3).
Genome position (GRCh38, 1-based): chr18:62,369,148, A>G. VCF-style: chr18-62369148-A-G. GRCh37 (hg19) VCF-style: chr18-60036381-A-G.
Other names: c.1189A>G, p.Thr397Ala (NM_001278268.2); c.783+2388A>G (NM_001270949.2); c.730+7355A>G (NM_001270950.2); c.616+9099A>G (NM_001270951.2); short protein forms T397A, T411A.
Identifiers: ClinVar variation 2124145 (VCV002124145.4), dbSNP rs777778426, ClinGen allele CA8983936.
Genomic context (GRCh38, chr18:62,369,148, plus strand): 5'-ACGGGGACACAGAGCACAGTGGGTTCAGAAAGCTGCAACTGCACTGAGCCCCTGTGCAGG[A>G]CTGATTGGACTCCCATGTCCTCTGAAAACTACTTGCAAAAAGAGGTGGACAGTGGCCATT-3'
Protein context (NP_003830.1, residues 401-421): SCNCTEPLCR[Thr411Ala]DWTPMSSENY